The following is an entry in ClinVar:

NM_000090.4(COL3A1):c.3417+13G>C

Gene: COL3A1 (collagen type III alpha 1 chain; plus strand). Cytogenetic location: 2q32.2.
Variant type: single nucleotide variant.
Coding change: c.3417+13G>C on transcript NM_000090.4 (MANE Select); 13 bases into the intron after coding-DNA position 3417, G replaced by C.
Molecular consequence: intron variant.
Genome position (GRCh38, 1-based): chr2:189,007,951, G>C. VCF-style: chr2-189007951-G-C. GRCh37 (hg19) VCF-style: chr2-189872677-G-C.
Identifiers: ClinVar variation 4847189 (VCV004847189.1).
Genomic context (GRCh38, chr2:189,007,951, plus strand): 5'-GCTGGTCAGCAGGGTGCAATCGGCAGTCCAGGACCTGCAGGCCCCAGAGTAAGTAGCACA[G>C]AAAGATATTACAGGTCCACATGTTTCAGATGTCTGCATTTCAGAAAGATATTCTGGCATT-3'

ClinVar aggregate classification (germline): Likely benign (1 of 4 stars; one submission).

gnomAD v4.1: 2 of 1,614,152 alleles (0.00012%); highest among the groups gnomAD compares: Non-Finnish European, 0.00017%; no homozygotes.

Submission:

Women's Health and Genetics/Laboratory Corporation of America, LabCorp
Classification: Likely benign. Last evaluated: 2026-03-31. Review status: criteria provided, single submitter. Criteria: LabCorp Variant Classification Summary - May 2015. Collection method: clinical testing. Allele origin: germline.
Comment: Variant summary: COL3A1 c.3417+13G>C alters a nucleotide located at a position not widely known to affect splicing. Consensus agreement among computation tools predict no significant impact on normal splicing. However, these predictions have yet to be confirmed by functional studies. The variant allele was found at a frequency of 4e-06 in 251454 control chromosomes. The available data on variant occurrences in the general population are insufficient to allow any conclusion about variant significance. To our knowledge, no occurrence of c.3417+13G>C in individuals affected with COL3A1-related conditions and no experimental evidence demonstrating its impact on protein function have been reported. No submitters have cited clinical-significance assessments for this variant to ClinVar. Based on the evidence outlined above, the variant was classified as likely benign.